The following is an entry in ClinVar:

NM_014263.4(YME1L1):c.766T>C (p.Phe256Leu)

Gene: YME1L1 (YME1 like 1 ATPase; minus strand). Cytogenetic location: 10p12.1.
Variant type: single nucleotide variant.
Coding change: c.766T>C on transcript NM_014263.4 (MANE Select); coding-DNA position 766, T replaced by C.
Protein change: p.Phe256Leu; replaces phenylalanine 256 with leucine.
Molecular consequence: missense variant.
Genome position (GRCh38, 1-based): chr10:27,134,048, A>G on the plus strand (T>C on the coding strand, the complement: YME1L1 is on the minus strand). VCF-style: chr10-27134048-A-G. GRCh37 (hg19) VCF-style: chr10-27422977-A-G.
Other names: c.667T>C, p.Phe223Leu (NM_001253866.2); c.937T>C, p.Phe313Leu (NM_139312.3); short protein forms F256L, F313L, F223L.
Identifiers: ClinVar variation 1914094 (VCV001914094.5), dbSNP rs2539447822, ClinGen allele CA376374522.
Genomic context (GRCh38, chr10:27,134,048, plus strand): 5'-ATGTATTTAAAGGAATAAGAAATAAGTTAGACAAATAAAAAAAGCTTTTACCAGATAAAA[A>G]TGGGTTTTTTAGAAGTCCATAAATGCCGAATAGCAGCAGAACGAAGAGAATCAGACGGGT-3'
Protein context (NP_055078.1, residues 246-266): FGIYGLLKNP[Phe256Leu]LSVRFRTTTG

ClinVar aggregate classification (germline): Uncertain significance (1 of 4 stars; one submission).

Allele frequency attached by ClinVar (database versions not stated): gnomAD exomes below 0.00001.
gnomAD v4.1: 4 of 1,611,712 alleles (0.00025%); highest among the groups gnomAD compares: Non-Finnish European, 0.00025%; no homozygotes.

Submission:

Labcorp Genetics (formerly Invitae), Labcorp
Classification: Uncertain significance. Last evaluated: 2023-10-15. Review status: criteria provided, single submitter. Criteria: Invitae Variant Classification Sherloc (09022015). Collection method: clinical testing. Allele origin: germline.
Comment: This sequence change replaces phenylalanine, which is neutral and non-polar, with leucine, which is neutral and non-polar, at codon 313 of the YME1L1 protein (p.Phe313Leu). This variant is not present in population databases (gnomAD no frequency). This variant has not been reported in the literature in individuals affected with YME1L1-related conditions. ClinVar contains an entry for this variant (Variation ID: 1914094). An algorithm developed to predict the effect of missense changes on protein structure and function (PolyPhen-2) suggests that this variant is likely to be tolerated. In summary, the available evidence is currently insufficient to determine the role of this variant in disease. Therefore, it has been classified as a Variant of Uncertain Significance.